The following is an entry in ClinVar:

ClinVar aggregate classification (germline): Uncertain significance. Review status: criteria provided, multiple submitters, no conflicts (2 of 4 stars). 2 submissions from 2 submitters: Uncertain significance (2). Last evaluated 2026-08-22.

gnomAD v4.1: 3 of 1,613,730 alleles (0.00019%); highest among the groups gnomAD compares: Non-Finnish European, 0.00025%; no homozygotes.

Submissions (2):

GeneDx
Classification: Uncertain significance. Last evaluated: 2026-08-22. Review status: criteria provided, single submitter. Criteria: GeneDx Variant Classification Process June 2021. Collection method: clinical testing. Allele origin: germline.
Comment: Not observed at significant frequency in large population cohorts (gnomAD); In silico analysis supports that this missense variant has a deleterious effect on protein structure/function; Has not been previously published as pathogenic or benign to our knowledge

Labcorp Genetics (formerly Invitae), Labcorp
Classification: Uncertain significance. Last evaluated: 2024-03-19. Review status: criteria provided, single submitter. Criteria: Invitae Variant Classification Sherloc (09022015). Collection method: clinical testing. Allele origin: germline.
Comment: This sequence change replaces serine, which is neutral and polar, with proline, which is neutral and non-polar, at codon 1014 of the OBSL1 protein (p.Ser1014Pro). This variant is not present in population databases (gnomAD no frequency). This variant has not been reported in the literature in individuals affected with OBSL1-related conditions. An algorithm developed to predict the effect of missense changes on protein structure and function (PolyPhen-2) suggests that this variant is likely to be disruptive. In summary, the available evidence is currently insufficient to determine the role of this variant in disease. Therefore, it has been classified as a Variant of Uncertain Significance.

NM_015311.3(OBSL1):c.3040T>C (p.Ser1014Pro)

Gene: OBSL1 (obscurin like cytoskeletal adaptor 1; minus strand). Cytogenetic location: 2q35.
Variant type: single nucleotide variant.
Coding change: c.3040T>C on transcript NM_015311.3 (MANE Select); coding-DNA position 3040, T replaced by C.
Protein change: p.Ser1014Pro; replaces serine 1014 with proline.
Molecular consequence: missense variant.
Genome position (GRCh38, 1-based): chr2:219,559,411, A>G on the plus strand (T>C on the coding strand, the complement: OBSL1 is on the minus strand). VCF-style: chr2-219559411-A-G. GRCh37 (hg19) VCF-style: chr2-220424133-A-G.
Other names: c.3040T>C, p.Ser1014Pro (NM_001173431.2); c.3040T>C (NM_015311.2); short protein forms S1014P.
Identifiers: ClinVar variation 3638887 (VCV003638887.4).